The following is an entry in ClinVar:

ClinVar aggregate classification (germline): Uncertain significance. Review status: criteria provided, multiple submitters, no conflicts (2 of 4 stars). 3 submissions from 3 submitters: Uncertain significance (3). Last evaluated 2022-05-04.

Conditions:
Hereditary cancer-predisposing syndrome. Also called: Tumor predisposition; Hereditary Cancer Syndrome; Neoplastic Syndromes, Hereditary; Hereditary neoplastic syndrome. Identifiers: Orphanet 140162, MedGen C0027672, MeSH D009386, MONDO:0015356.
Hereditary breast ovarian cancer syndrome. Also called: Breast and ovarian cancer; Hereditary breast and ovarian cancer; Hereditary breast and ovarian cancer syndrome; Hereditary breast and/or ovarian cancer syndrome; BRCA1- and BRCA2-Associated Hereditary Breast and Ovarian Cancer; Hereditary breast and ovarian cancer syndrome (HBOC). Identifiers: Orphanet 145, MedGen C0677776, MeSH D061325, MONDO:0003582. Disease mechanism: loss of function.

Submissions (4):

Mendelics
Classification: Uncertain significance. Last evaluated: 2022-05-04. Review status: criteria provided, single submitter. Criteria: Mendelics Assertion Criteria 2019. Collection method: clinical testing. Allele origin: germline.

Labcorp Genetics (formerly Invitae), Labcorp
Classification: Uncertain significance for Hereditary breast ovarian cancer syndrome. Last evaluated: 2016-04-24. Review status: criteria provided, single submitter. Criteria: Invitae Variant Classification Sherloc (09022015). Collection method: clinical testing. Allele origin: germline.
Comment: This variant has been reported in individuals/families affected with breast and/or ovarian cancer (PMID: 21918854). In summary, this variant is a rare missense change with uncertain impact on protein function. While it is absent from the population and reported in affected individuals, the available evidence is currently insufficient to determine its role in disease. Therefore, it has been classified as a Variant of Uncertain Significance. Algorithms developed to predict the effect of missense changes on protein structure and function do not agree on the potential impact of this missense change (SIFT: "Deleterious"; PolyPhen-2: "Probably Damaging"; Align-GVGD: "Class C15"). This variant is not present in population databases (ExAC no frequency). This sequence change replaces glutamic acid with aspartic acid at codon 23 of the BRCA1 protein (p.Glu23Asp). The glutamic acid residue is highly conserved and there is a small physicochemical difference between glutamic acid and aspartic acid.

Ambry Genetics
Classification: Uncertain significance for Hereditary cancer-predisposing syndrome. Last evaluated: 2015-06-28. Review status: criteria provided, single submitter. Criteria: Ambry Variant Classification Scheme 2023. Collection method: clinical testing. Allele origin: germline.
Comment: The p.E23D variant (also known as c.69G>C or 188G>C), located in coding exon 1 of the BRCA1 gene, results from a G to C substitution at nucleotide position 69. The glutamic acid at codon 23 is replaced by aspartic acid, an amino acid with highly similar properties. This variant was not reported in population based cohorts in the following databases: Database of Single Nucleotide Polymorphisms (dbSNP), NHLBI Exome Sequencing Project (ESP), and 1000 Genomes Project. In the ESP, this variant was not observed in 6502 samples (13004 alleles) with coverage of 6502 at this position. To date, this alteration has been detected with an allele frequency of approximately 0.001% (greater than 150000 alleles tested) in our clinical cohort. This amino acid position is highly conserved in available vertebrate species. In addition, the in silico prediction for this alteration is inconclusive. Since supporting evidence is limited at this time, the clinical significance of p.E23D remains unclear.

Brotman Baty Institute, University of Washington
No classification provided (evidence only). Condition: Breast-ovarian cancer, familial 1. Review status: no classification provided. Collection method: in vitro. Allele origin: not applicable. Functional consequence: function_uncertain_variant. Not counted in ClinVar's aggregate classification.
ClinVar note: "not provided" was previously submitted as the classification for the variant. However, the classification appeared to be based only on an observation of functional data so it was converted to no classification on 2025-07-30.

Literature cited by the submitters: PubMed 21918854 (cited by Labcorp Genetics (formerly Invitae), Labcorp).

NM_007294.4(BRCA1):c.69G>C (p.Glu23Asp)

Gene: BRCA1 (BRCA1 DNA repair associated; minus strand). Cytogenetic location: 17q21.31.
Variant type: single nucleotide variant.
Coding change: c.69G>C on transcript NM_007294.4 (MANE Select); coding-DNA position 69, G replaced by C.
Protein change: p.Glu23Asp; replaces glutamic acid 23 with aspartic acid.
Molecular consequence: missense variant. On other transcripts: 5 prime UTR variant (1), non-coding transcript variant (1).
Genome position (GRCh38, 1-based): chr17:43,124,028, C>G on the plus strand (G>C on the coding strand, the complement: BRCA1 is on the minus strand). VCF-style: chr17-43124028-C-G. GRCh37 (hg19) VCF-style: chr17-41276045-C-G.
Other names: c.-120G>C (NM_001407571.1, NM_001407853.1, NM_001407879.1 and 46 more transcripts); c.69G>C, p.Glu23Asp (NM_001407581.1, NM_001407582.1, NM_001407583.1 and 193 more transcripts); c.-189G>C (NM_001407694.1, NM_001407724.1, NM_001407727.1 and 11 more transcripts); c.-193G>C (NM_001407695.1, NM_001408465.1); c.-334G>C (NM_001407696.1); c.-218G>C (NM_001407697.1, NM_001407846.1, NM_001407920.1); c.-19G>C (NM_001407698.1, NM_001407732.1, NM_001407736.1 and 23 more transcripts); c.-192G>C (NM_001407725.1, NM_001407730.1, NM_001407734.1 and 22 more transcripts); and 8 more; short protein forms E23D.
Identifiers: ClinVar variation 232427 (VCV000232427.17), dbSNP rs766004110, ClinGen allele CA10580714.